The following is an entry in ClinVar:

ClinVar aggregate classification (germline): Uncertain significance (1 of 4 stars; one submission).

Conditions:
Cardiovascular phenotype. Identifiers: MedGen CN230736.

gnomAD v4.1: 2 of 1,548,988 alleles (0.00013%); highest among the groups gnomAD compares: African/African-American, 0.0027%; no homozygotes.

Submission:

Ambry Genetics
Classification: Uncertain significance for Cardiovascular phenotype. Last evaluated: 2025-05-02. Review status: criteria provided, single submitter. Criteria: Ambry Variant Classification Scheme 2023. Collection method: clinical testing. Allele origin: germline.
Comment: The p.A508S variant (also known as c.1522G>T), located in coding exon 1 of the ZNF469 gene, results from a G to T substitution at nucleotide position 1522. The alanine at codon 508 is replaced by serine, an amino acid with similar properties. This amino acid position is conserved. In addition, this alteration is predicted to be tolerated by in silico analysis. Since supporting evidence is limited at this time, the clinical significance of this alteration remains unclear.

NM_001367624.2(ZNF469):c.1522G>T (p.Ala508Ser)

Gene: ZNF469 (zinc finger protein 469; plus strand). Cytogenetic location: 16q24.2.
Variant type: single nucleotide variant.
Coding change: c.1522G>T on transcript NM_001367624.2 (MANE Select); coding-DNA position 1522, G replaced by T.
Protein change: p.Ala508Ser; replaces alanine 508 with serine.
Molecular consequence: missense variant.
Genome position (GRCh38, 1-based): chr16:88,428,992, G>T. VCF-style: chr16-88428992-G-T. GRCh37 (hg19) VCF-style: chr16-88495400-G-T.
Other names: NM_001127464.1:c.1522G>T; short protein forms A508S.
Identifiers: ClinVar variation 2564213 (VCV002564213.3), dbSNP rs750005577, ClinGen allele CA397067354.